The following is an entry in ClinVar:

NM_152743.4(BRAT1):c.2360C>T (p.Thr787Met)

Gene: BRAT1 (BRCA1 associated ATM activator 1; minus strand). Cytogenetic location: 7p22.3.
Variant type: single nucleotide variant.
Coding change: c.2360C>T on transcript NM_152743.4 (MANE Select); coding-DNA position 2360, C replaced by T.
Protein change: p.Thr787Met; replaces threonine 787 with methionine.
Molecular consequence: missense variant. On other transcripts: non-coding transcript variant (1).
Genome position (GRCh38, 1-based): chr7:2,538,175, G>A on the plus strand (C>T on the coding strand, the complement: BRAT1 is on the minus strand). VCF-style: chr7-2538175-G-A. GRCh37 (hg19) VCF-style: chr7-2577809-G-A.
Other names: c.2540C>T, p.Thr847Met (NM_001350626.2); c.1835C>T, p.Thr612Met (NM_001350627.2); short protein forms T787M, T612M, T847M.
Identifiers: ClinVar variation 570605 (VCV000570605.14), dbSNP rs375916445, ClinGen allele CA4127379.

ClinVar aggregate classification (germline): Conflicting classifications of pathogenicity. Review status: criteria provided, conflicting classifications (1 of 4 stars). 6 submissions from 6 submitters: Uncertain significance (4); Likely benign (2). Last evaluated 2025-01-30.

Conditions:
BRAT1-related disorder. Also called: BRAT1-related condition; BRAT1-related disorders.
Neurodevelopmental disorder with cerebellar atrophy and with or without seizures. Identifiers: MedGen C4748032, MONDO:0020841, OMIM 618056.
Neonatal-onset encephalopathy with rigidity and seizures. Also called: Lethal neonatal spasticity-epileptic encephalopathy syndrome. Identifiers: Orphanet 435845, MedGen C3281029, MONDO:0013784, OMIM 614498.
Inborn genetic diseases. Identifiers: MedGen C0950123, MeSH D030342.

Allele frequency attached by ClinVar (database versions not stated): TOPMed 0.00006; gnomAD 0.00007; gnomAD exomes 0.00011 and 0.00012; ExAC 0.00017.
gnomAD v4.1: 180 of 1,608,948 alleles (0.011%); highest among the groups gnomAD compares: Non-Finnish European, 0.012%; no homozygotes.

Submissions (6):

Ambry Genetics
Classification: Likely benign for Inborn genetic diseases. Last evaluated: 2025-01-30. Review status: criteria provided, single submitter. Criteria: Ambry Variant Classification Scheme 2023. Collection method: clinical testing. Allele origin: germline.

PreventionGenetics, part of Exact Sciences
Classification: Uncertain significance for BRAT1-related condition. Last evaluated: 2024-10-22. Review status: criteria provided, single submitter. Criteria: ACMG Guidelines, 2015. Collection method: clinical testing. Allele origin: germline.
Comment: The BRAT1 c.2360C>T variant is predicted to result in the amino acid substitution p.Thr787Met. To our knowledge, this variant has not been reported in the literature. This variant is reported in 0.017% of alleles in individuals of European (Non-Finnish) descent in gnomAD. At this time, the clinical significance of this variant is uncertain due to the absence of conclusive functional and genetic evidence.

3billion
Classification: Likely benign for Neurodevelopmental disorder with cerebellar atrophy and with or without seizures; Neonatal-onset encephalopathy with rigidity and seizures. Last evaluated: 2024-09-20. Review status: criteria provided, single submitter. Criteria: ACMG Guidelines, 2015. Collection method: clinical testing. Allele origin: germline. Affected: no.
Comment: The homozygous variant was found in patients diagnosed with another variant in a different gene, with no symptoms related to the gene containing the homozygous variant.

Blueprint Genetics
Classification: Uncertain significance. Last evaluated: 2024-06-06. Review status: criteria provided, single submitter. Criteria: ACMG Guidelines, 2015. Collection method: clinical testing. Allele origin: germline.

Labcorp Genetics (formerly Invitae), Labcorp
Classification: Uncertain significance for Neonatal-onset encephalopathy with rigidity and seizures. Last evaluated: 2022-08-16. Review status: criteria provided, single submitter. Criteria: Invitae Variant Classification Sherloc (09022015). Collection method: clinical testing. Allele origin: germline.
Comment: This sequence change replaces threonine, which is neutral and polar, with methionine, which is neutral and non-polar, at codon 787 of the BRAT1 protein (p.Thr787Met). This variant is present in population databases (rs375916445, gnomAD 0.02%). This variant has not been reported in the literature in individuals affected with BRAT1-related conditions. ClinVar contains an entry for this variant (Variation ID: 570605). Algorithms developed to predict the effect of missense changes on protein structure and function (SIFT, PolyPhen-2, Align-GVGD) all suggest that this variant is likely to be tolerated. In summary, the available evidence is currently insufficient to determine the role of this variant in disease. Therefore, it has been classified as a Variant of Uncertain Significance.

GeneDx
Classification: Uncertain significance. Last evaluated: 2020-12-21. Review status: criteria provided, single submitter. Criteria: GeneDx Variant Classification Process June 2021. Collection method: clinical testing. Allele origin: germline. Affected: yes.
Comment: In silico analysis supports that this missense variant does not alter protein structure/function; Has not been previously published as pathogenic or benign to our knowledge